The following is an entry in ClinVar:

ClinVar aggregate classification (germline): Uncertain significance. Review status: criteria provided, multiple submitters, no conflicts (2 of 4 stars). 2 submissions from 2 submitters: Uncertain significance (2). Last evaluated 2024-10-08.

Conditions:
Pancreatic adenocarcinoma. Identifiers: MedGen C0281361, MONDO:0006047, HP:0006725.

Allele frequency attached by ClinVar (database versions not stated): gnomAD 0.00003 and 0.00004; TOPMed 0.00004; gnomAD exomes 0.00006 and 0.00009; ESP Exome Variant Server 0.00008; ExAC 0.00017.
gnomAD v4.1: 87 of 1,610,468 alleles (0.0054%); highest among the groups gnomAD compares: Non-Finnish European, 0.0066%; no homozygotes.

Submissions (2):

Ambry Genetics
Classification: Uncertain significance. Last evaluated: 2024-10-08. Review status: criteria provided, single submitter. Criteria: Ambry Variant Classification Scheme 2023. Collection method: clinical testing. Allele origin: germline.

Labcorp Genetics (formerly Invitae), Labcorp
Classification: Uncertain significance for Pancreatic adenocarcinoma. Last evaluated: 2020-02-05. Review status: criteria provided, single submitter. Criteria: Invitae Variant Classification Sherloc (09022015). Collection method: clinical testing. Allele origin: germline.
Comment: This sequence change replaces arginine with cysteine at codon 490 of the PALLD protein (p.Arg490Cys). The arginine residue is highly conserved and there is a large physicochemical difference between arginine and cysteine. This variant is present in population databases (rs151071844, ExAC 0.03%), and has an allele count higher than expected for a pathogenic variant (PMID: 28166811). This variant has not been reported in the literature in individuals with PALLD-related disease. Algorithms developed to predict the effect of missense changes on protein structure and function (SIFT, PolyPhen-2, Align-GVGD) all suggest that this variant is likely to be disruptive, but these predictions have not been confirmed by published functional studies and their clinical significance is uncertain. In summary, the available evidence is currently insufficient to determine the role of this variant in disease. Therefore, it has been classified as a Variant of Uncertain Significance.

Literature cited by the submitters: PubMed 28166811 (cited by Labcorp Genetics (formerly Invitae), Labcorp).

NM_001166108.2(PALLD):c.2980C>T (p.Arg994Cys)

Genes: CBR4 (carbonyl reductase 4; minus strand), PALLD (palladin, cytoskeletal associated protein; plus strand). Cytogenetic location: 4q32.3.
Variant type: single nucleotide variant.
Coding change: c.2980C>T on transcript NM_001166108.2 (MANE Select); coding-DNA position 2980, C replaced by T.
Protein change: p.Arg994Cys; replaces arginine 994 with cysteine.
Molecular consequence: missense variant.
Genome position (GRCh38, 1-based): chr4:168,921,663, C>T. VCF-style: chr4-168921663-C-T. GRCh37 (hg19) VCF-style: chr4-169842814-C-T.
Other names: c.1783C>T, p.Arg595Cys (NM_001166109.2); c.1468C>T, p.Arg490Cys (NM_001166110.2); c.808C>T, p.Arg270Cys (NM_001367567.1, NM_001367569.1); c.859C>T, p.Arg287Cys (NM_001367568.1, NM_001367570.1); c.2929C>T, p.Arg977Cys (NM_016081.4); short protein forms R977C, R490C, R595C, R994C, R287C, R270C.
Identifiers: ClinVar variation 476378 (VCV000476378.10), dbSNP rs151071844, ClinGen allele CA3136002.
Genomic context (GRCh38, chr4:168,921,663, plus strand): 5'-CACAAGATGCTGGTGCGTGAGAACGGGGTGCACTCTCTGATCATAGAGCCAGTCACGTCA[C>T]GTGATGCCGGCATCTACACATGTATAGCTACCAACCGAGCAGGACAGAACTCATTCAGCC-3'
Protein context (NP_001159580.1, residues 984-1004): HSLIIEPVTS[Arg994Cys]DAGIYTCIAT